The following is an entry in ClinVar:

ClinVar aggregate classification (germline): Likely pathogenic (1 of 4 stars; one submission).

Conditions:
Neuromuscular disease caused by qualitative or quantitative defects of dysferlin. Also called: Qualitative or quantitative defects of dysferlin; Dysferlinopathy. Identifiers: Orphanet 207073, MedGen C2931687, MONDO:0016145.

gnomAD v4.1: 1 of 1,614,162 alleles (0.000062%); highest among the groups gnomAD compares: East Asian, 0.0022%; no homozygotes.

Submission:

Labcorp Genetics (formerly Invitae), Labcorp
Classification: Likely pathogenic for Neuromuscular disease caused by qualitative or quantitative defects of dysferlin. Last evaluated: 2024-05-20. Review status: criteria provided, single submitter. Criteria: Invitae Variant Classification Sherloc (09022015). Collection method: clinical testing. Allele origin: germline.
Comment: This sequence change replaces tyrosine, which is neutral and polar, with histidine, which is basic and polar, at codon 336 of the DYSF protein (p.Tyr336His). This variant is not present in population databases (gnomAD no frequency). This missense change has been observed in individual(s) with clinical features of limb-girdle muscular dystrophy (Invitae). In at least one individual the data is consistent with being in trans (on the opposite chromosome) from a pathogenic variant. ClinVar contains an entry for this variant (Variation ID: 2420198). Advanced modeling of protein sequence and biophysical properties (such as structural, functional, and spatial information, amino acid conservation, physicochemical variation, residue mobility, and thermodynamic stability) performed at Invitae indicates that this missense variant is expected to disrupt DYSF protein function with a positive predictive value of 95%. In summary, the currently available evidence indicates that the variant is pathogenic, but additional data are needed to prove that conclusively. Therefore, this variant has been classified as Likely Pathogenic.

NM_001130987.2(DYSF):c.1102T>C (p.Tyr368His)

Gene: DYSF (dysferlin; plus strand). Cytogenetic location: 2p13.2.
Variant type: single nucleotide variant.
Coding change: c.1102T>C on transcript NM_001130987.2 (MANE Select); coding-DNA position 1102, T replaced by C.
Protein change: p.Tyr368His; replaces tyrosine 368 with histidine.
Molecular consequence: missense variant.
Genome position (GRCh38, 1-based): chr2:71,520,857, T>C. VCF-style: chr2-71520857-T-C. GRCh37 (hg19) VCF-style: chr2-71747987-T-C.
Other names: c.1009T>C, p.Tyr337His (NM_001130455.2, NM_001130983.2, NM_001130984.2 and 1 more transcripts); c.1006T>C, p.Tyr336His (NM_001130976.2, NM_001130977.2, NM_001130978.2 and 1 more transcripts); c.1099T>C, p.Tyr367His (NM_001130979.2, NM_001130980.2, NM_001130981.2); c.1102T>C, p.Tyr368His (NM_001130982.2, NM_001130985.2); short protein forms Y336H, Y337H, Y367H, Y368H.
Identifiers: ClinVar variation 2420198 (VCV002420198.6), dbSNP rs2545459688, ClinGen allele CA347212130.